The following is an entry in ClinVar:

NM_004260.4(RECQL4):c.938G>A (p.Ser313Asn)

Gene: RECQL4 (RecQ like helicase 4; minus strand). Cytogenetic location: 8q24.3.
Variant type: single nucleotide variant.
Coding change: c.938G>A on transcript NM_004260.4 (MANE Select); coding-DNA position 938, G replaced by A.
Protein change: p.Ser313Asn; replaces serine 313 with asparagine.
Molecular consequence: missense variant. On other transcripts: 5 prime UTR variant (17), non-coding transcript variant (3).
Genome position (GRCh38, 1-based): chr8:144,516,181, C>T on the plus strand (G>A on the coding strand, the complement: RECQL4 is on the minus strand). VCF-style: chr8-144516181-C-T. GRCh37 (hg19) VCF-style: chr8-145741565-C-T.
Other names: c.938G>A, p.Ser313Asn (NM_001413017.1, NM_001413018.1, NM_001413019.1 and 4 more transcripts); c.-134G>A (NM_001413021.1, NM_001413022.1, NM_001413023.1 and 7 more transcripts); c.809G>A, p.Ser270Asn (NM_001413025.1); c.-196G>A (NM_001413027.1, NM_001413030.1, NM_001413031.1 and 2 more transcripts); c.587G>A, p.Ser196Asn (NM_001413029.1); c.-38G>A (NM_001413034.1); c.-403G>A (NM_001413043.1); short protein forms S196N, S270N, S313N.
Identifiers: ClinVar variation 3944346 (VCV003944346.1).
Genomic context (GRCh38, chr8:144,516,181, plus strand): 5'-GCCTTCCCAGCCCTAGCTTGACTGGAGGGGCTGAGTCCGTGGTACCTGGGGTTCGATGGG[C>T]TGCTGCAGGGCTGAGGTGGCTGTGCCTGTACAGGTTCCCCTGGAGGGTCTTCCTCAACTG-3'
Protein context (NP_004251.4, residues 303-323): VQAQPPQPCS[Ser313Asn]PSNPRYHGLS

ClinVar aggregate classification (germline): Uncertain significance (1 of 4 stars; one submission).

Conditions:
Inborn genetic diseases. Identifiers: MedGen C0950123, MeSH D030342.

Submission:

Ambry Genetics
Classification: Uncertain significance for Inborn genetic diseases. Last evaluated: 2025-06-01. Review status: criteria provided, single submitter. Criteria: Ambry Variant Classification Scheme 2023. Collection method: clinical testing. Allele origin: germline.
Comment: The p.S313N variant (also known as c.938G>A), located in coding exon 5 of the RECQL4 gene, results from a G to A substitution at nucleotide position 938. The serine at codon 313 is replaced by asparagine, an amino acid with highly similar properties. This amino acid position is conserved. In addition, this alteration is predicted to be tolerated by in silico analysis. Based on the available evidence, the clinical significance of this variant remains unclear.